The following is an entry in ClinVar:

ClinVar aggregate classification (germline): Conflicting classifications of pathogenicity. Review status: criteria provided, conflicting classifications (1 of 4 stars). 5 submissions from 5 submitters: Uncertain significance (4); Likely benign (1). Last evaluated 2024-09-20.

Conditions:
Muscular dystrophy-dystroglycanopathy (congenital with impaired intellectual development), type B, 3. Also called: Muscular dystrophy-dystroglycanopathy (congenital with intellectual disability), type B3; MUSCULAR DYSTROPHY, CONGENITAL, POMGNT1-RELATED. Identifiers: MedGen C3150412, MONDO:0013155, OMIM 613151.
Autosomal recessive limb-girdle muscular dystrophy type 2O. Also called: MUSCULAR DYSTROPHY-DYSTROGLYCANOPATHY, LIMB-GIRDLE, POMGNT1-RELATED; Limb-Girdle Muscular Dystrophy Type 3C; MUSCULAR DYSTROPHY-DYSTROGLYCANOPATHY (LIMB-GIRDLE), TYPE C, 3. Identifiers: Orphanet 206564, MedGen C3150417, MONDO:0013161, OMIM 613157.

Allele frequency attached by ClinVar (database versions not stated): gnomAD 0.00011 and 0.00012; TOPMed 0.00014; gnomAD exomes 0.00006 and 0.00007; 1000 Genomes Project 0.00020; ExAC 0.00011; 1000 Genomes Project 30x 0.00016; ESP Exome Variant Server 0.00023.
gnomAD v4.1: 112 of 1,614,092 alleles (0.0069%); highest among the groups gnomAD compares: African/African-American, 0.029%; no homozygotes.

Submissions (5):

Blueprint Genetics
Classification: Uncertain significance. Last evaluated: 2024-09-20. Review status: criteria provided, single submitter. Criteria: ACMG Guidelines, 2015. Collection method: clinical testing. Allele origin: germline.

Labcorp Genetics (formerly Invitae), Labcorp
Classification: Uncertain significance for Autosomal recessive limb-girdle muscular dystrophy type 2O; Muscular dystrophy-dystroglycanopathy (congenital with impaired intellectual development), type B, 3. Last evaluated: 2022-11-01. Review status: criteria provided, single submitter. Criteria: Invitae Variant Classification Sherloc (09022015). Collection method: clinical testing. Allele origin: germline.
Comment: This sequence change falls in intron 7 of the POMGNT1 gene. It does not directly change the encoded amino acid sequence of the POMGNT1 protein. It affects a nucleotide within the consensus splice site. This variant is present in population databases (rs369289384, gnomAD 0.04%). This variant has not been reported in the literature in individuals affected with POMGNT1-related conditions. ClinVar contains an entry for this variant (Variation ID: 290446). Variants that disrupt the consensus splice site are a relatively common cause of aberrant splicing (PMID: 17576681, 9536098). Algorithms developed to predict the effect of sequence changes on RNA splicing suggest that this variant is not likely to affect RNA splicing. In summary, the available evidence is currently insufficient to determine the role of this variant in disease. Therefore, it has been classified as a Variant of Uncertain Significance.

Mayo Clinic Laboratories, Mayo Clinic
Classification: Uncertain significance. Last evaluated: 2020-04-29. Review status: criteria provided, single submitter. Criteria: ACMG Guidelines, 2015. Collection method: clinical testing. Allele origin: germline. Observed: 1 variant allele.

GeneDx
Classification: Likely benign. Last evaluated: 2018-03-09. Review status: criteria provided, single submitter. Criteria: GeneDx Variant Classification (06012015). Collection method: clinical testing. Allele origin: germline. Affected: yes.
Comment: This variant is considered likely benign or benign based on one or more of the following criteria: it is a conservative change, it occurs at a poorly conserved position in the protein, it is predicted to be benign by multiple in silico algorithms, and/or has population frequency not consistent with disease.

Eurofins Ntd Llc (ga)
Classification: Uncertain significance. Last evaluated: 2016-09-19. Review status: criteria provided, single submitter. Criteria: EGL Classification Definitions 2015. Collection method: clinical testing. Allele origin: germline. Observed: 2 variant alleles, 2 heterozygotes.

Literature cited by the submitters: PubMed 17576681 (cited by Labcorp Genetics (formerly Invitae), Labcorp); PubMed 9536098 (cited by Labcorp Genetics (formerly Invitae), Labcorp).

NM_017739.4(POMGNT1):c.652+6G>A

Genes: POMGNT1 (protein O-linked mannose N-acetylglucosaminyltransferase 1 (beta 1,2-); minus strand), TSPAN1 (tetraspanin 1; plus strand). Cytogenetic location: 1p34.1.
Variant type: single nucleotide variant.
Coding change: c.652+6G>A on transcript NM_017739.4 (MANE Select); 6 bases into the intron after coding-DNA position 652, G replaced by A.
Molecular consequence: intron variant.
Genome position (GRCh38, 1-based): chr1:46,194,838, C>T on the plus strand (G>A on the coding strand, the complement: POMGNT1 is on the minus strand). VCF-style: chr1-46194838-C-T. GRCh37 (hg19) VCF-style: chr1-46660510-C-T.
Other names: c.652+6G>A (NM_001243766.2, NM_001438686.1, NM_001438688.1 and 3 more transcripts); c.586+6G>A (NM_001290129.3, NM_001438691.1, NM_001438692.1); c.223+6G>A (NM_001290130.2).
Identifiers: ClinVar variation 290446 (VCV000290446.12), dbSNP rs369289384, ClinGen allele CA833664.